The following is an entry in ClinVar:

ClinVar aggregate classification (germline): Benign/Likely benign. Review status: criteria provided, multiple submitters, no conflicts (2 of 4 stars). 2 submissions from 2 submitters: Benign (1); Likely benign (1). Last evaluated 2024-04-17.

Conditions:
Familial cancer of breast. Also called: BREAST CANCER, FAMILIAL; hereditary breast carcinoma; Hereditary breast cancer. Identifiers: Orphanet 227535, MedGen C0346153, MONDO:0016419, OMIM 114480. Disease mechanism: loss of function.
Ataxia-telangiectasia syndrome (AT). Also called: Ataxia-telangiectasia; AT, COMPLEMENTATION GROUP C; LOUIS-BAR SYNDROME; Ataxia telangiectasia (A-T); Cerebello-oculocutaneous telangiectasia; Immunodeficiency with ataxia telangiectasia. Identifiers: Orphanet 100, MedGen C0004135, MONDO:0008840, OMIM 208900.

Submissions (2):

Myriad Genetics, Inc.
Classification: Benign for Familial cancer of breast. Last evaluated: 2024-04-17. Review status: criteria provided, single submitter. Criteria: Myriad Autosomal Dominant, Autosomal Recessive and X-Linked Classification Criteria (2023). Collection method: clinical testing. Allele origin: unknown.
Comment: This variant is considered benign. This variant is a silent/synonymous amino acid change and it is not expected to impact splicing.

Labcorp Genetics (formerly Invitae), Labcorp
Classification: Likely benign for Ataxia-telangiectasia syndrome. Last evaluated: 2023-08-24. Review status: criteria provided, single submitter. Criteria: Invitae Variant Classification Sherloc (09022015). Collection method: clinical testing. Allele origin: germline.

NM_000051.4(ATM):c.114A>G (p.Glu38=)

Gene: ATM (ATM serine/threonine kinase; plus strand). Cytogenetic location: 11q22.3.
Variant type: single nucleotide variant.
Coding change: c.114A>G on transcript NM_000051.4 (MANE Select); coding-DNA position 114, A replaced by G.
Protein change: p.Glu38=; no amino-acid change (glutamic acid 38 retained).
Molecular consequence: synonymous variant.
Genome position (GRCh38, 1-based): chr11:108,227,817, A>G. VCF-style: chr11-108227817-A-G. GRCh37 (hg19) VCF-style: chr11-108098544-A-G.
Other names: c.114A>G, p.Glu38= (NM_001351834.2, NM_001351835.2, NM_001351836.2).
Identifiers: ClinVar variation 750242 (VCV000750242.8), dbSNP rs1591446969, ClinGen allele CA476668011.